The following is an entry in ClinVar:

NM_001378418.1(TCF20):c.2538A>C (p.Glu846Asp)

Gene: TCF20 (transcription factor 20; minus strand). Cytogenetic location: 22q13.2.
Variant type: single nucleotide variant.
Coding change: c.2538A>C on transcript NM_001378418.1 (MANE Select); coding-DNA position 2538, A replaced by C.
Protein change: p.Glu846Asp; replaces glutamic acid 846 with aspartic acid.
Molecular consequence: missense variant.
Genome position (GRCh38, 1-based): chr22:42,212,768, T>G on the plus strand (A>C on the coding strand, the complement: TCF20 is on the minus strand). VCF-style: chr22-42212768-T-G. GRCh37 (hg19) VCF-style: chr22-42608774-T-G.
Other names: c.2538A>C, p.Glu846Asp (NM_005650.4, NM_181492.3); short protein forms E846D.
Identifiers: ClinVar variation 2967599 (VCV002967599.3), dbSNP rs764892765, ClinGen allele CA10267003.

ClinVar aggregate classification (germline): Uncertain significance (1 of 4 stars; one submission).

Allele frequency attached by ClinVar (database versions not stated): TOPMed below 0.00001; ExAC 0.00001; gnomAD 0.00001; gnomAD exomes 0.00001.
gnomAD v4.1: 23 of 1,614,090 alleles (0.0014%); highest among the groups gnomAD compares: Non-Finnish European, 0.0018%; no homozygotes.

Submission:

Labcorp Genetics (formerly Invitae), Labcorp
Classification: Uncertain significance. Last evaluated: 2023-07-17. Review status: criteria provided, single submitter. Criteria: Invitae Variant Classification Sherloc (09022015). Collection method: clinical testing. Allele origin: germline.
Comment: This sequence change replaces glutamic acid, which is acidic and polar, with aspartic acid, which is acidic and polar, at codon 846 of the TCF20 protein (p.Glu846Asp). This variant is present in population databases (rs764892765, gnomAD 0.003%). This variant has not been reported in the literature in individuals affected with TCF20-related conditions. An algorithm developed to predict the effect of missense changes on protein structure and function (PolyPhen-2) suggests that this variant is likely to be tolerated. In summary, the available evidence is currently insufficient to determine the role of this variant in disease. Therefore, it has been classified as a Variant of Uncertain Significance.